The following is an entry in ClinVar:

NM_002185.5(IL7R):c.[160T>C;245G>T]

Variant type: Haplotype.
Identifiers: ClinVar variation 624586 (VCV000624586.3).

ClinVar aggregate classification (germline): Likely pathogenic (0 of 4 stars; one submission).

Conditions:
Immunodeficiency 104. Also called: IMMUNODEFICIENCY 104, SEVERE COMBINED; Severe combined immunodeficiency, autosomal recessive, T cell-negative, B cell-positive, NK cell-positive; SCID, AUTOSOMAL RECESSIVE, T CELL-NEGATIVE, B CELL-POSITIVE, NK CELL-POSITIVE; Severe Combined Immune Deficiency, Autosomal Recessive, TCell -Negative, B Cell-Positive, NK Cell-Positive, IL7R-Related. Identifiers: MedGen C5676890, MONDO:0012163, OMIM 608971.

Submission:

Laboratory of Pediatric Immunoinfectivology, Tor Vergata University
Classification: Likely pathogenic for Immunodeficiency 104. Last evaluated: 2019-02-28. Review status: no assertion criteria provided. Collection method: clinical testing. Allele origin: germline. Affected: yes.
Comment: Atypical IL7R deficiency with maternal engraftment

Literature cited by the submitters: DOI 10.3389/fimmu.2019.00316.